The following is an entry in ClinVar:

NM_017415.3(KLHL3):c.*3068A>G

Gene: KLHL3 (kelch like family member 3; minus strand). Cytogenetic location: 5q31.2.
Variant type: single nucleotide variant.
Coding change: c.*3068A>G on transcript NM_017415.3 (MANE Select); 3068 bases downstream of the stop codon, A replaced by G.
Molecular consequence: 3 prime UTR variant.
Genome position (GRCh38, 1-based): chr5:137,619,030, T>C on the plus strand (A>G on the coding strand, the complement: KLHL3 is on the minus strand). VCF-style: chr5-137619030-T-C. GRCh37 (hg19) VCF-style: chr5-136954719-T-C.
Other names: c.*3068A>G (NM_001257194.1, NM_001257195.2).
Identifiers: ClinVar variation 350942 (VCV000350942.6), dbSNP rs3813314, ClinGen allele CA10620209.

ClinVar aggregate classification (germline): Benign (1 of 4 stars; one submission).

Conditions:
Pseudohypoaldosteronism type 2D (PHA2D). Also called: FAMILIAL HYPERKALEMIC HYPERTENSION; PSEUDOHYPOALDOSTERONISM, TYPE IID, AUTOSOMAL DOMINANT OR RECESSIVE; Pseudohypoaldosteronism Type IID. Identifiers: Orphanet 300525, Orphanet 757, MedGen C3469605, MONDO:0013781, OMIM 614495.

Allele frequency attached by ClinVar (database versions not stated): 1000 Genomes Project 30x 0.62617; 1000 Genomes Project 0.62680; TOPMed 0.64072; gnomAD 0.65494 and 0.65518; gnomAD exomes 0.70859.
gnomAD v4.1: 99,880 of 152,304 alleles (66%); highest among the groups gnomAD compares: South Asian, 72%; 33,062 homozygotes.

Submission:

Illumina Laboratory Services, Illumina
Classification: Benign for Pseudohypoaldosteronism type 2D. Last evaluated: 2018-01-12. Review status: criteria provided, single submitter. Criteria: ICSL Variant Classification Criteria 13 December 2019. Collection method: clinical testing. Allele origin: germline.
Comment: This variant was observed in the ICSL laboratory as part of a predisposition screen in an ostensibly healthy population. It had not been previously curated by ICSL or reported in the Human Gene Mutation Database (HGMD: prior to June 1st, 2018), and was therefore a candidate for classification through an automated scoring system. Utilizing variant allele frequency, disease prevalence and penetrance estimates, and inheritance mode, an automated score was calculated to assess if this variant is too frequent to cause the disease. Based on the score and internal cut-off values, a variant classified as benign is not then subjected to further curation. The score for this variant resulted in a classification of benign for this disease.